The following is an entry in ClinVar:

NM_013275.6(ANKRD11):c.838G>A (p.Val280Met)

Gene: ANKRD11 (ankyrin repeat domain 11; minus strand). Cytogenetic location: 16q24.3.
Variant type: single nucleotide variant.
Coding change: c.838G>A on transcript NM_013275.6 (MANE Select); coding-DNA position 838, G replaced by A.
Protein change: p.Val280Met; replaces valine 280 with methionine.
Molecular consequence: missense variant.
Genome position (GRCh38, 1-based): chr16:89,286,093, C>T on the plus strand (G>A on the coding strand, the complement: ANKRD11 is on the minus strand). VCF-style: chr16-89286093-C-T. GRCh37 (hg19) VCF-style: chr16-89352501-C-T.
Other names: c.838G>A, p.Val280Met (NM_001256182.2, NM_001256183.2); short protein forms V280M.
Identifiers: ClinVar variation 1988508 (VCV001988508.4), dbSNP rs199778705, ClinGen allele CA397166351.
Genomic context (GRCh38, chr16:89,286,093, plus strand): 5'-ACTTACCCGTCGAGCTCTCCTCGCTGGAAGTGTAAGTGCCTTTGCCTAACAGGAGGTTCA[C>T]CATCGTGGGGGAGTTGGCCACTTTCAGCGGCGTCTCGCCTTTCCTGTTGCTCTGCTGCGG-3'
Protein context (NP_037407.4, residues 270-290): PLKVANSPTM[Val280Met]NLLLGKGTYT

ClinVar aggregate classification (germline): Uncertain significance (1 of 4 stars; one submission).

Conditions:
KBG syndrome (KBGS). Also called: ANKRD11-Related KBG Syndrome. Identifiers: Orphanet 2332, MedGen C0220687, MONDO:0007846, OMIM 148050.

gnomAD v4.1: 1 of 1,614,218 alleles (0.000062%); highest among the groups gnomAD compares: Non-Finnish European, 0.000085%; no homozygotes.

Submission:

Labcorp Genetics (formerly Invitae), Labcorp
Classification: Uncertain significance for KBG syndrome. Last evaluated: 2024-10-07. Review status: criteria provided, single submitter. Criteria: Invitae Variant Classification Sherloc (09022015). Collection method: clinical testing. Allele origin: germline.
Comment: This sequence change replaces valine, which is neutral and non-polar, with methionine, which is neutral and non-polar, at codon 280 of the ANKRD11 protein (p.Val280Met). This variant is not present in population databases (gnomAD no frequency). This variant has not been reported in the literature in individuals affected with ANKRD11-related conditions. ClinVar contains an entry for this variant (Variation ID: 1988508). Invitae Evidence Modeling of protein sequence and biophysical properties (such as structural, functional, and spatial information, amino acid conservation, physicochemical variation, residue mobility, and thermodynamic stability) has been performed for this missense variant. However, the output from this modeling did not meet the statistical confidence thresholds required to predict the impact of this variant on ANKRD11 protein function. In summary, the available evidence is currently insufficient to determine the role of this variant in disease. Therefore, it has been classified as a Variant of Uncertain Significance.